The following is an entry in ClinVar:

ClinVar aggregate classification (germline): Uncertain significance (0 of 4 stars; one submission).

Conditions:
NCOA1-related disorder. Also called: NCOA1-related condition.

gnomAD v4.1: 7 of 1,614,058 alleles (0.00043%); highest among the groups gnomAD compares: African/African-American, 0.0013%; no homozygotes.

Submission:

PreventionGenetics, part of Exact Sciences
Classification: Uncertain significance for NCOA1-related condition. Last evaluated: 2024-09-03. Review status: no assertion criteria provided. Collection method: clinical testing. Allele origin: germline.
Comment: The NCOA1 c.1315G>A variant is predicted to result in the amino acid substitution p.Gly439Arg. This variant was reported in an individual from a large cohort of patients with severe obesity; however, no additional evidence was provided to support causation (Cacciottolo et al. 2022. PubMed ID: 35137184). This variant is reported in 0.0062% of alleles in individuals of African descent in gnomAD. At this time, the clinical significance of this variant is uncertain due to the absence of conclusive functional and genetic evidence.

NM_003743.5(NCOA1):c.1315G>A (p.Gly439Arg)

Gene: NCOA1 (nuclear receptor coactivator 1; plus strand). Cytogenetic location: 2p23.3.
Variant type: single nucleotide variant.
Coding change: c.1315G>A on transcript NM_003743.5 (MANE Select); coding-DNA position 1315, G replaced by A.
Protein change: p.Gly439Arg; replaces glycine 439 with arginine.
Molecular consequence: missense variant.
Genome position (GRCh38, 1-based): chr2:24,706,785, G>A. VCF-style: chr2-24706785-G-A. GRCh37 (hg19) VCF-style: chr2-24929654-G-A.
Other names: c.1315G>A, p.Gly439Arg (NM_001362950.1, NM_001362952.1, NM_001362954.1 and 3 more transcripts); short protein forms G439R.
Identifiers: ClinVar variation 3357382 (VCV003357382.1).
Genomic context (GRCh38, chr2:24,706,785, plus strand): 5'-AACCGCCAGCAGAGCTCAGACCTTCATAGCAGCAGTCATAGTAATTCTAGCAACAGCCAA[G>A]GAAGTTTCGGATGCTCACCCGGAAGTCAGATTGTAGCCAATGTTGCCTTAAACCAAGGAC-3'
Protein context (NP_003734.3, residues 429-449): SSHSNSSNSQ[Gly439Arg]SFGCSPGSQI